The following is an entry in ClinVar:

NM_001270.4(CHD1):c.1366G>T (p.Val456Leu)

Gene: CHD1 (chromodomain helicase DNA binding protein 1; minus strand). Cytogenetic location: 5q15.
Variant type: single nucleotide variant.
Coding change: c.1366G>T on transcript NM_001270.4 (MANE Select); coding-DNA position 1366, G replaced by T.
Protein change: p.Val456Leu; replaces valine 456 with leucine.
Molecular consequence: missense variant. On other transcripts: non-coding transcript variant (2).
Genome position (GRCh38, 1-based): chr5:98,897,320, C>A on the plus strand (G>T on the coding strand, the complement: CHD1 is on the minus strand). VCF-style: chr5-98897320-C-A. GRCh37 (hg19) VCF-style: chr5-98233024-C-A.
Other names: c.1366G>T, p.Val456Leu (NM_001364113.3, NM_001376194.2); short protein forms V456L.
Identifiers: ClinVar variation 3899703 (VCV003899703.2).

ClinVar aggregate classification (germline): Uncertain significance (1 of 4 stars; one submission).

gnomAD v4.1: 2 of 1,581,846 alleles (0.00013%); highest among the groups gnomAD compares: Non-Finnish European, 0.00017%; no homozygotes.

Submission:

GeneDx
Classification: Uncertain significance. Last evaluated: 2025-09-17. Review status: criteria provided, single submitter. Criteria: GeneDx Variant Classification Process June 2021. Collection method: clinical testing. Allele origin: germline.
Comment: Not observed at significant frequency in large population cohorts (gnomAD); In silico analysis suggests that this missense variant does not alter protein structure/function; Has not been previously published as pathogenic or benign to our knowledge